The following is an entry in ClinVar:

ClinVar aggregate classification (germline): Benign (1 of 4 stars; one submission).

Allele frequency attached by ClinVar (database versions not stated): 1000 Genomes Project 0.61302; 1000 Genomes Project 30x 0.62399; gnomAD 0.74059 and 0.75744; TOPMed 0.74216.
gnomAD v4.1: 112,743 of 152,248 alleles (74%); highest among the groups gnomAD compares: African/African-American, 87%; 43,184 homozygotes.

Submission:

GeneDx
Classification: Benign. Last evaluated: 2018-06-18. Review status: criteria provided, single submitter. Criteria: GeneDx Variant Classification (06012015). Collection method: clinical testing. Allele origin: germline. Affected: yes.
Comment: This variant is considered likely benign or benign based on one or more of the following criteria: it is a conservative change, it occurs at a poorly conserved position in the protein, it is predicted to be benign by multiple in silico algorithms, and/or has population frequency not consistent with disease.

NM_001130987.2(DYSF):c.1807-288T>C

Gene: DYSF (dysferlin; plus strand). Cytogenetic location: 2p13.2.
Variant type: single nucleotide variant.
Coding change: c.1807-288T>C on transcript NM_001130987.2 (MANE Select); 288 bases into the intron before coding-DNA position 1807, T replaced by C.
Molecular consequence: intron variant.
Genome position (GRCh38, 1-based): chr2:71,552,723, T>C. VCF-style: chr2-71552723-T-C. GRCh37 (hg19) VCF-style: chr2-71779853-T-C.
Other names: c.1846-288T>C (NM_001130979.2); c.1804-288T>C (NM_001130981.2, NM_001130980.2); c.1753-288T>C (NM_001130978.2, NM_003494.4); c.1711-288T>C (NM_001130977.2, NM_001130976.2); c.1849-288T>C (NM_001130982.2); c.1807-288T>C (NM_001130985.2); c.1756-288T>C (NM_001130983.2, NM_001130455.2); c.1714-288T>C (NM_001130984.2, NM_001130986.2).
Identifiers: ClinVar variation 668124 (VCV000668124.1), dbSNP rs7599496, ClinGen allele CA11017537.
Genomic context (GRCh38, chr2:71,552,723, plus strand): 5'-GAATGGCAGATAAGGCCCGGGTTGCCCCTGCGGGCCCAGTGGGAGCCCCCACTCAGCTGA[T>C]GTGGTGGTACCATGGCTGCTGGTTTGGATTAGGGGCAGCTTGACCTTGGAGGAGTAGCTC-3'